The following is an entry in ClinVar:

ClinVar aggregate classification (germline): Uncertain significance. Review status: criteria provided, multiple submitters, no conflicts (2 of 4 stars). 2 submissions from 2 submitters: Uncertain significance (2). Last evaluated 2026-01-02.

Conditions:
Brugada syndrome. Also called: Sudden unexpected nocturnal death syndrome; Sudden Unexplained Death Syndrome; Sudden Unexplained Nocturnal Death Syndrome (SUNDS); Sudden unexplained nocturnal death syndrome. Identifiers: Orphanet 130, MedGen C1142166, MONDO:0015263.
Cardiovascular phenotype. Identifiers: MedGen CN230736.

gnomAD v4.1: 1 of 1,614,170 alleles (0.000062%); no homozygotes.

Submissions (2):

Ambry Genetics
Classification: Uncertain significance for Cardiovascular phenotype. Last evaluated: 2026-01-02. Review status: criteria provided, single submitter. Criteria: Ambry Variant Classification Scheme 2023. Collection method: clinical testing. Allele origin: germline.
Comment: The p.C1878Y variant (also known as c.5633G>A), located in coding exon 27 of the SCN10A gene, results from a G to A substitution at nucleotide position 5633. The cysteine at codon 1878 is replaced by tyrosine, an amino acid with highly dissimilar properties. This amino acid position is conserved. In addition, this alteration is predicted to be tolerated by in silico analysis. Based on the available evidence, the clinical significance of this variant remains unclear.

Labcorp Genetics (formerly Invitae), Labcorp
Classification: Uncertain significance for Brugada syndrome. Last evaluated: 2025-01-14. Review status: criteria provided, single submitter. Criteria: Invitae Variant Classification Sherloc (09022015). Collection method: clinical testing. Allele origin: germline.
Comment: This sequence change replaces cysteine, which is neutral and slightly polar, with tyrosine, which is neutral and polar, at codon 1878 of the SCN10A protein (p.Cys1878Tyr). This variant is not present in population databases (gnomAD no frequency). This variant has not been reported in the literature in individuals affected with SCN10A-related conditions. Invitae Evidence Modeling of protein sequence and biophysical properties (such as structural, functional, and spatial information, amino acid conservation, physicochemical variation, residue mobility, and thermodynamic stability) indicates that this missense variant is not expected to disrupt SCN10A protein function with a negative predictive value of 80%. In summary, the available evidence is currently insufficient to determine the role of this variant in disease. Therefore, it has been classified as a Variant of Uncertain Significance.

NM_006514.4(SCN10A):c.5633G>A (p.Cys1878Tyr)

Gene: SCN10A (sodium voltage-gated channel alpha subunit 10; minus strand). Cytogenetic location: 3p22.2.
Variant type: single nucleotide variant.
Coding change: c.5633G>A on transcript NM_006514.4 (MANE Select); coding-DNA position 5633, G replaced by A.
Protein change: p.Cys1878Tyr; replaces cysteine 1878 with tyrosine.
Molecular consequence: missense variant.
Genome position (GRCh38, 1-based): chr3:38,697,587, C>T on the plus strand (G>A on the coding strand, the complement: SCN10A is on the minus strand). VCF-style: chr3-38697587-C-T. GRCh37 (hg19) VCF-style: chr3-38739078-C-T.
Other names: c.5633G>A (NM_006514.2); c.5630G>A, p.Cys1877Tyr (NM_001293306.2); c.5339G>A, p.Cys1780Tyr (NM_001293307.2); short protein forms C1877Y, C1878Y, C1780Y.
Identifiers: ClinVar variation 3671051 (VCV003671051.3).